The following is an entry in ClinVar:

NM_033305.3(VPS13A):c.6765_6772delinsATGTGTATAAGAGAC (p.Asn2255_Lys2258delinsLysCysValTer)

Gene: VPS13A (vacuolar protein sorting 13 homolog A; plus strand). Cytogenetic location: 9q21.2.
Variant type: Indel.
Coding change: c.6765_6772delinsATGTGTATAAGAGAC on transcript NM_033305.3 (MANE Select); coding-DNA positions 6765 to 6772, TAACAATA replaced by ATGTGTATAAGAGAC.
Protein change: p.Asn2255_Lys2258delinsLysCysValTer.
Molecular consequence: nonsense.
Genome position (GRCh38, 1-based): chr9:77,339,902-77,339,909, TAACAATA replaced by ATGTGTATAAGAGAC. VCF-style: chr9-77339902-TAACAATA-ATGTGTATAAGAGAC. GRCh37 (hg19) VCF-style: chr9-79954818-TAACAATA-ATGTGTATAAGAGAC.
Other names: c.6648_6655delinsATGTGTATAAGAGAC, p.Asn2216_Lys2219delinsLysCysValTer (NM_001018037.2); c.6765_6772delinsATGTGTATAAGAGAC, p.Asn2255_Lys2258delinsLysCysValTer (NM_001018038.3, NM_015186.4).
Identifiers: ClinVar variation 5011078 (VCV005011078.1).

ClinVar aggregate classification (germline): Pathogenic (1 of 4 stars; one submission).

Conditions:
VPS13A-related neurodegenerative disease. Also called: ACANTHOCYTOSIS WITH NEUROLOGIC DISORDER; LEVINE-CRITCHLEY SYNDROME; Choreoacanthocytosis; Chorea-acanthocytosis; Choreaacanthocytosis; VPS13A Disease. Identifiers: Orphanet 2388, MedGen C0393576, MONDO:0008695, OMIM 200150.

Submission:

Myriad Genetics, Inc.
Classification: Pathogenic for VPS13A-related neurodegenerative disease. Last evaluated: 2024-05-14. Review status: criteria provided, single submitter. Criteria: Myriad Autosomal Dominant, Autosomal Recessive and X-Linked Classification Criteria (2023). Collection method: clinical testing. Allele origin: unknown.
Comment: NM_033305.2(VPS13A):c.6765_6772del8ins15(N2255Kfs*4) is expected to be pathogenic in the context of VPS13A disease. This variant is predicted to lead to an abnormal or absent protein product due to the creation of a premature termination codon in VPS13A, a gene where loss-of-function variants are known to be pathogenic. Please note: this variant was assessed in the context of healthy population screening.